The following is an entry in ClinVar:

ClinVar aggregate classification (germline): Pathogenic. Review status: criteria provided, single submitter (1 of 4 stars). 2 submissions from 2 submitters: Pathogenic (1). 1 of the submissions does not count toward it. Last evaluated 2023-07-14.

Conditions:
Acute myeloid leukemia (AML). Also called: Acute myeloid leukemia, adult; AML adult; Acute non-lymphocytic leukemia; Acute granulocytic leukemia; Leukemia, acute myeloid, somatic; Leukemia, acute myelogenous, somatic. Identifiers: Orphanet 519, MedGen C0023467, MeSH D015470, MONDO:0018874, OMIM 601626, HP:0004808. Disease mechanism: Constitutively activated FLT3.

Submissions (2):

Labcorp Genetics (formerly Invitae), Labcorp
Classification: Pathogenic for Acute myeloid leukemia. Last evaluated: 2023-07-14. Review status: criteria provided, single submitter. Criteria: Invitae Variant Classification Sherloc (09022015). Collection method: clinical testing. Allele origin: germline.
Comment: For these reasons, this variant has been classified as Pathogenic. This variant disrupts a region of the CEBPA protein in which other variant(s) (p.Gln311Pro) have been determined to be pathogenic (PMID: 26721895). This suggests that this is a clinically significant region of the protein, and that variants that disrupt it are likely to be disease-causing. ClinVar contains an entry for this variant (Variation ID: 858287). This premature translational stop signal has been observed in individual(s) with acute myeloid leukemia (PMID: 29296967). The frequency data for this variant in the population databases is considered unreliable, as metrics indicate insufficient coverage at this position in the gnomAD database. This sequence change creates a premature translational stop signal (p.Glu148*) in the CEBPA gene. While this is not anticipated to result in nonsense mediated decay, it is expected to disrupt the last 211 amino acid(s) of the CEBPA protein.

GeneReviews
No classification provided. Condition: Acute myeloid leukemia. Review status: no classification provided. Collection method: literature only. Allele origin: germline. Not counted in ClinVar's aggregate classification.

Literature cited by the submitters: PubMed 26721895 (cited by Labcorp Genetics (formerly Invitae), Labcorp); PubMed 29296967 (cited by Labcorp Genetics (formerly Invitae), Labcorp); PubMed 33345654 (cited by GeneReviews).

NM_004364.5(CEBPA):c.442G>T (p.Glu148Ter)

Gene: CEBPA (CCAAT enhancer binding protein alpha; minus strand). Cytogenetic location: 19q13.11.
Variant type: single nucleotide variant.
Coding change: c.442G>T on transcript NM_004364.5 (MANE Select); coding-DNA position 442, G replaced by T.
Protein change: p.Glu148Ter; replaces glutamic acid 148 with a stop codon.
Molecular consequence: nonsense.
Genome position (GRCh38, 1-based): chr19:33,301,973, C>A on the plus strand (G>T on the coding strand, the complement: CEBPA is on the minus strand). VCF-style: chr19-33301973-C-A. GRCh37 (hg19) VCF-style: chr19-33792879-C-A.
Other names: c.85G>T, p.Glu29Ter (NM_001285829.2); c.547G>T, p.Glu183Ter (NM_001287424.2); c.400G>T, p.Glu134Ter (NM_001287435.2); short protein forms E183*, E134*, E148*, E29*.
Identifiers: ClinVar variation 858287 (VCV000858287.12), dbSNP rs1388478228, ClinGen allele CA405274944.